The following is an entry in ClinVar:

ClinVar aggregate classification (germline): Uncertain significance (1 of 4 stars; one submission).

gnomAD v4.1: 7 of 1,613,916 alleles (0.00043%); highest among the groups gnomAD compares: African/African-American, 0.008%; no homozygotes.

Submission:

Labcorp Genetics (formerly Invitae), Labcorp
Classification: Uncertain significance. Last evaluated: 2024-05-07. Review status: criteria provided, single submitter. Criteria: Invitae Variant Classification Sherloc (09022015). Collection method: clinical testing. Allele origin: germline.
Comment: This sequence change replaces serine, which is neutral and polar, with arginine, which is basic and polar, at codon 513 of the KANK1 protein (p.Ser513Arg). This variant is present in population databases (no rsID available, gnomAD 0.007%). This variant has not been reported in the literature in individuals affected with KANK1-related conditions. Advanced modeling of protein sequence and biophysical properties (such as structural, functional, and spatial information, amino acid conservation, physicochemical variation, residue mobility, and thermodynamic stability) performed at Invitae indicates that this missense variant is expected to disrupt KANK1 protein function with a positive predictive value of 80%. In summary, the available evidence is currently insufficient to determine the role of this variant in disease. Therefore, it has been classified as a Variant of Uncertain Significance.

NM_015158.5(KANK1):c.1539T>A (p.Ser513Arg)

Gene: KANK1 (KN motif and ankyrin repeat domains 1; plus strand). Cytogenetic location: 9p24.3.
Variant type: single nucleotide variant.
Coding change: c.1539T>A on transcript NM_015158.5 (MANE Select); coding-DNA position 1539, T replaced by A.
Protein change: p.Ser513Arg; replaces serine 513 with arginine.
Molecular consequence: missense variant. On other transcripts: non-coding transcript variant (1).
Genome position (GRCh38, 1-based): chr9:712,305, T>A. VCF-style: chr9-712305-T-A. GRCh37 (hg19) VCF-style: chr9-712305-T-A.
Other names: c.1539T>A, p.Ser513Arg (NM_001256876.3, NM_001256877.3, NM_001354331.2 and 2 more transcripts); c.1065T>A, p.Ser355Arg (NM_001354333.2, NM_001354335.2, NM_001354336.2 and 9 more transcripts); short protein forms S513R, S355R.
Identifiers: ClinVar variation 3697977 (VCV003697977.2).
Genomic context (GRCh38, chr9:712,305, plus strand): 5'-GGCTGCTGGATCGAGGAAAAAGGTTGACAAAGCCACGATGGCCCAGCCGCTTGTTTTCAG[T>A]AAGGTGGTGGAGGCAGTGGTGCAGACCAGAGACCAAATGGTCGGCAGTCACATGGACCTG-3'
Protein context (NP_055973.2, residues 503-523): KATMAQPLVF[Ser513Arg]KVVEAVVQTR